The following is an entry in ClinVar:

ClinVar aggregate classification (germline): Conflicting classifications of pathogenicity. Review status: criteria provided, conflicting classifications (1 of 4 stars). 3 submissions from 3 submitters: Uncertain significance (2); Likely benign (1). Last evaluated 2024-07-25.

Conditions:
Primary ciliary dyskinesia. Also called: Ciliary dyskinesia. Identifiers: Orphanet 244, MedGen C0008780, MONDO:0016575, HP:0012265.
Primary ciliary dyskinesia 3. Identifiers: Orphanet 244, MedGen C1837618, MONDO:0012085, OMIM 608644.

Allele frequency attached by ClinVar (database versions not stated): gnomAD 0.00001; gnomAD exomes 0.00003; ExAC 0.00017.
gnomAD v4.1: 51 of 1,613,038 alleles (0.0032%); highest among the groups gnomAD compares: Non-Finnish European, 0.0041%; no homozygotes.

Submissions (3):

ARUP Laboratories, Molecular Genetics and Genomics, ARUP Laboratories
Classification: Uncertain significance for Primary ciliary dyskinesia 3. Last evaluated: 2024-07-25. Review status: criteria provided, single submitter. Criteria: ARUP Molecular Germline Variant Investigation Process 2024. Collection method: clinical testing. Allele origin: germline.
Comment: The DNAH5 c.11038G>T; p.Gly3680Cys variant (rs777140914), to our knowledge, is not reported in the medical literature but is reported in ClinVar (Variation ID: 1985959). This variant is found in the non-Finnish European population with an allele frequency of 0.02% (18/113,142 alleles) in the Genome Aggregation Database (v2.1.1). Computational analyses are uncertain whether this variant is neutral or deleterious (REVEL: 0.43). Due to limited information, the clinical significance of this variant is uncertain at this time.

Ambry Genetics
Classification: Uncertain significance for Primary ciliary dyskinesia. Last evaluated: 2024-05-11. Review status: criteria provided, single submitter. Criteria: Ambry Variant Classification Scheme 2023. Collection method: clinical testing. Allele origin: germline.
Comment: The p.G3680C variant (also known as c.11038G>T), located in coding exon 65 of the DNAH5 gene, results from a G to T substitution at nucleotide position 11038. The glycine at codon 3680 is replaced by cysteine, an amino acid with highly dissimilar properties. This amino acid position is conserved. In addition, the in silico prediction for this alteration is inconclusive. Based on the available evidence, the clinical significance of this variant remains unclear.

Labcorp Genetics (formerly Invitae), Labcorp
Classification: Likely benign for Primary ciliary dyskinesia. Last evaluated: 2023-08-09. Review status: criteria provided, single submitter. Criteria: Invitae Variant Classification Sherloc (09022015). Collection method: clinical testing. Allele origin: germline.

NM_001369.3(DNAH5):c.11038G>T (p.Gly3680Cys)

Gene: DNAH5 (dynein axonemal heavy chain 5; minus strand). Cytogenetic location: 5p15.2.
Variant type: single nucleotide variant.
Coding change: c.11038G>T on transcript NM_001369.3 (MANE Select); coding-DNA position 11038, G replaced by T.
Protein change: p.Gly3680Cys; replaces glycine 3680 with cysteine.
Molecular consequence: missense variant.
Genome position (GRCh38, 1-based): chr5:13,751,251, C>A on the plus strand (G>T on the coding strand, the complement: DNAH5 is on the minus strand). VCF-style: chr5-13751251-C-A. GRCh37 (hg19) VCF-style: chr5-13751360-C-A.
Other names: c.11038G>T (NM_001369.2); short protein forms G3680C.
Identifiers: ClinVar variation 1985959 (VCV001985959.6), dbSNP rs777140914, ClinGen allele CA3202062.